The following is an entry in ClinVar:

ClinVar aggregate classification (germline): Uncertain significance (1 of 4 stars; one submission).

Conditions:
Multiple sulfatase deficiency (MSD). Also called: Mucosulfatidosis; Multiple Sulfatase Deficiency Disease; Sulfatidosis, Juvenile, Austin Type. Identifiers: Orphanet 585, MedGen C0268263, MONDO:0010088, OMIM 272200.

Allele frequency attached by ClinVar (database versions not stated): gnomAD exomes 0.00001.
gnomAD v4.1: 6 of 1,614,142 alleles (0.00037%); highest among the groups gnomAD compares: Non-Finnish European, 0.00051%; no homozygotes.

Submission:

Labcorp Genetics (formerly Invitae), Labcorp
Classification: Uncertain significance for Multiple sulfatase deficiency. Last evaluated: 2022-07-05. Review status: criteria provided, single submitter. Criteria: Invitae Variant Classification Sherloc (09022015). Collection method: clinical testing. Allele origin: germline.
Comment: This variant is not present in population databases (gnomAD no frequency). In summary, the available evidence is currently insufficient to determine the role of this variant in disease. Therefore, it has been classified as a Variant of Uncertain Significance. Algorithms developed to predict the effect of missense changes on protein structure and function are either unavailable or do not agree on the potential impact of this missense change (SIFT: "Deleterious"; PolyPhen-2: "Benign"; Align-GVGD: "Class C0"). ClinVar contains an entry for this variant (Variation ID: 1363242). This variant has not been reported in the literature in individuals affected with SUMF1-related conditions. This sequence change replaces lysine, which is basic and polar, with glutamic acid, which is acidic and polar, at codon 319 of the SUMF1 protein (p.Lys319Glu).

NM_182760.4(SUMF1):c.955A>G (p.Lys319Glu)

Gene: SUMF1 (sulfatase modifying factor 1; minus strand). Cytogenetic location: 3p26.1.
Variant type: single nucleotide variant.
Coding change: c.955A>G on transcript NM_182760.4 (MANE Select); coding-DNA position 955, A replaced by G.
Protein change: p.Lys319Glu; replaces lysine 319 with glutamic acid.
Molecular consequence: missense variant. On other transcripts: intron variant (1).
Genome position (GRCh38, 1-based): chr3:4,376,389, T>C on the plus strand (A>G on the coding strand, the complement: SUMF1 is on the minus strand). VCF-style: chr3-4376389-T-C. GRCh37 (hg19) VCF-style: chr3-4418073-T-C.
Other names: c.880A>G, p.Lys294Glu (NM_001164674.2); c.955-14135A>G (NM_001164675.2); short protein forms K294E, K319E.
Identifiers: ClinVar variation 1363242 (VCV001363242.8), dbSNP rs2124845551, ClinGen allele CA351628406.